The following is an entry in ClinVar:

NM_001330288.2(SMARCC2):c.1959A>C (p.Lys653Asn)

Gene: SMARCC2 (SWI/SNF related BAF chromatin remodeling complex subunit C2; minus strand). Cytogenetic location: 12q13.2.
Variant type: single nucleotide variant.
Coding change: c.1959A>C on transcript NM_001330288.2 (MANE Select); coding-DNA position 1959, A replaced by C.
Protein change: p.Lys653Asn; replaces lysine 653 with asparagine.
Molecular consequence: missense variant.
Genome position (GRCh38, 1-based): chr12:56,171,905, T>G on the plus strand (A>C on the coding strand, the complement: SMARCC2 is on the minus strand). VCF-style: chr12-56171905-T-G. GRCh37 (hg19) VCF-style: chr12-56565689-T-G.
Other names: c.1959A>C, p.Lys653Asn (NM_001130420.3, NM_139067.4); c.1866A>C, p.Lys622Asn (NM_003075.5); short protein forms K622N, K653N.
Identifiers: ClinVar variation 1216083 (VCV001216083.4), dbSNP rs2135684668, ClinGen allele CA385344649.
Genomic context (GRCh38, chr12:56,171,905, plus strand): 5'-AAGACGAAGAAAATGCAAGATGCACTCGTCCTGTGTGCGGCTTCCCACATGCTCGGACAC[T>G]TTGTTCCAGTCATCTTTGTACATTTCCAGTGCCTGGTGGTAGTGGTGGAGACATAACTCC-3'
Protein context (NP_001317217.1, residues 643-663): ALEMYKDDWN[Lys653Asn]VSEHVGSRTQ

ClinVar aggregate classification (germline): Uncertain significance (1 of 4 stars; one submission).

Submission:

GeneDx
Classification: Uncertain significance. Last evaluated: 2024-10-02. Review status: criteria provided, single submitter. Criteria: GeneDx Variant Classification Process June 2021. Collection method: clinical testing. Allele origin: germline. Affected: yes.
Comment: Not observed at significant frequency in large population cohorts (gnomAD); In silico analysis supports that this missense variant has a deleterious effect on protein structure/function; Has not been previously published as pathogenic or benign to our knowledge